The following is an entry in ClinVar:

ClinVar aggregate classification (germline): Uncertain significance (1 of 4 stars; one submission).

Allele frequency attached by ClinVar (database versions not stated): TOPMed 0.00002.
gnomAD v4.1: 2 of 1,614,156 alleles (0.00012%); highest among the groups gnomAD compares: Middle Eastern, 0.016%; no homozygotes.

Submission:

Labcorp Genetics (formerly Invitae), Labcorp
Classification: Uncertain significance. Last evaluated: 2022-01-14. Review status: criteria provided, single submitter. Criteria: Invitae Variant Classification Sherloc (09022015). Collection method: clinical testing. Allele origin: germline.
Comment: In summary, the available evidence is currently insufficient to determine the role of this variant in disease. Therefore, it has been classified as a Variant of Uncertain Significance. Algorithms developed to predict the effect of missense changes on protein structure and function (SIFT, PolyPhen-2, Align-GVGD) all suggest that this variant is likely to be tolerated. ClinVar contains an entry for this variant (Variation ID: 649889). This variant has not been reported in the literature in individuals affected with SZT2-related conditions. This variant is not present in population databases (gnomAD no frequency). This sequence change replaces glycine, which is neutral and non-polar, with aspartic acid, which is acidic and polar, at codon 1295 of the SZT2 protein (p.Gly1295Asp).

NM_001365999.1(SZT2):c.4055G>A (p.Gly1352Asp)

Gene: SZT2 (SZT2 subunit of KICSTOR complex; plus strand). Cytogenetic location: 1p34.2.
Variant type: single nucleotide variant.
Coding change: c.4055G>A on transcript NM_001365999.1 (MANE Select); coding-DNA position 4055, G replaced by A.
Protein change: p.Gly1352Asp; replaces glycine 1352 with aspartic acid.
Molecular consequence: missense variant.
Genome position (GRCh38, 1-based): chr1:43,428,375, G>A. VCF-style: chr1-43428375-G-A. GRCh37 (hg19) VCF-style: chr1-43894046-G-A.
Other names: c.3884G>A, p.Gly1295Asp (NM_015284.4); short protein forms G1352D, G1295D.
Identifiers: ClinVar variation 649889 (VCV000649889.6), dbSNP rs1157923829, ClinGen allele CA340019896.